The following is an entry in ClinVar:

NM_001330691.3(CEP78):c.2026A>G (p.Thr676Ala)

Gene: CEP78 (centrosomal protein 78; plus strand). Cytogenetic location: 9q21.2.
Variant type: single nucleotide variant.
Coding change: c.2026A>G on transcript NM_001330691.3 (MANE Select); coding-DNA position 2026, A replaced by G.
Protein change: p.Thr676Ala; replaces threonine 676 with alanine.
Molecular consequence: missense variant.
Genome position (GRCh38, 1-based): chr9:78,266,622, A>G. VCF-style: chr9-78266622-A-G. GRCh37 (hg19) VCF-style: chr9-80881538-A-G.
Other names: c.2029A>G (NM_001098802.1); c.2029A>G, p.Thr677Ala (NM_001098802.3, NM_001349839.2); c.1978A>G, p.Thr660Ala (NM_001330693.3, NM_001330694.2); c.2026A>G, p.Thr676Ala (NM_001349838.2); c.1981A>G, p.Thr661Ala (NM_001349840.2, NM_032171.3); short protein forms T676A, T677A, T661A, T660A.
Identifiers: ClinVar variation 1045752 (VCV001045752.8), dbSNP rs1827548551, ClinGen allele CA373867648.
Genomic context (GRCh38, chr9:78,266,622, plus strand): 5'-CAGCGGCAGGAGTCTTTTGAAGGATTCATTGCTAGAATGTGTTCTCCTTCACCAGATGCG[A>G]CTTCTGGAACTGGAAGTCAAAGAAAAGAAGAGGAGTTGTCCAGAAATAGCAGATCTTCTT-3'
Protein context (NP_001317620.1, residues 666-686): ARMCSPSPDA[Thr676Ala]SGTGSQRKEE

ClinVar aggregate classification (germline): Uncertain significance. Review status: criteria provided, multiple submitters, no conflicts (2 of 4 stars). 2 submissions from 2 submitters: Uncertain significance (2). Last evaluated 2024-05-20.

Conditions:
Inborn genetic diseases. Identifiers: MedGen C0950123, MeSH D030342.

Allele frequency attached by ClinVar (database versions not stated): gnomAD exomes below 0.00001.
gnomAD v4.1: 3 of 1,613,114 alleles (0.00019%); highest among the groups gnomAD compares: Non-Finnish European, 0.00025%; no homozygotes.

Submissions (2):

Labcorp Genetics (formerly Invitae), Labcorp
Classification: Uncertain significance. Last evaluated: 2024-05-20. Review status: criteria provided, single submitter. Criteria: Invitae Variant Classification Sherloc (09022015). Collection method: clinical testing. Allele origin: germline.
Comment: This sequence change replaces threonine, which is neutral and polar, with alanine, which is neutral and non-polar, at codon 677 of the CEP78 protein (p.Thr677Ala). This variant is not present in population databases (gnomAD no frequency). This variant has not been reported in the literature in individuals affected with CEP78-related conditions. ClinVar contains an entry for this variant (Variation ID: 1045752). Algorithms developed to predict the effect of missense changes on protein structure and function output the following: SIFT: "Not Available"; PolyPhen-2: "Benign"; Align-GVGD: "Not Available". The alanine amino acid residue is found in multiple mammalian species, which suggests that this missense change does not adversely affect protein function. In summary, the available evidence is currently insufficient to determine the role of this variant in disease. Therefore, it has been classified as a Variant of Uncertain Significance.

Ambry Genetics
Classification: Uncertain significance for Inborn genetic diseases. Last evaluated: 2023-08-21. Review status: criteria provided, single submitter. Criteria: Ambry Variant Classification Scheme 2023. Collection method: clinical testing. Allele origin: germline.